The following is an entry in ClinVar:

ClinVar aggregate classification (germline): Uncertain significance (1 of 4 stars; one submission).

gnomAD v4.1: 1 of 1,614,156 alleles (0.000062%); highest among the groups gnomAD compares: Non-Finnish European, 0.000085%; no homozygotes.

Submission:

Mayo Clinic Laboratories, Mayo Clinic
Classification: Uncertain significance. Last evaluated: 2024-08-15. Review status: criteria provided, single submitter. Criteria: ACMG Guidelines, 2015. Collection method: clinical testing. Allele origin: germline. Observed: 1 variant allele.
Comment: PM2

NM_182961.4(SYNE1):c.12005T>C (p.Leu4002Pro)

Gene: SYNE1 (spectrin repeat containing nuclear envelope protein 1; minus strand). Cytogenetic location: 6q25.2.
Variant type: single nucleotide variant.
Coding change: c.12005T>C on transcript NM_182961.4 (MANE Select); coding-DNA position 12005, T replaced by C.
Protein change: p.Leu4002Pro; replaces leucine 4002 with proline.
Molecular consequence: missense variant.
Genome position (GRCh38, 1-based): chr6:152,347,132, A>G on the plus strand (T>C on the coding strand, the complement: SYNE1 is on the minus strand). VCF-style: chr6-152347132-A-G. GRCh37 (hg19) VCF-style: chr6-152668267-A-G.
Other names: p.Leu3931Pro; c.11792T>C, p.Leu3931Pro (NM_033071.5); short protein forms L3931P, L4002P.
Identifiers: ClinVar variation 3379724 (VCV003379724.1).
Genomic context (GRCh38, chr6:152,347,132, plus strand): 5'-CTGCAGATCGCTGAGTAGCTGTCCTTTGTGCCCTGCAGATGAGCATGCACGTTTTGTTTA[A>G]GTTTCGCTTGCAGGTGGTCTGCACATTGGCCAATCAAAGTATCACCTTTCATTTGAAGAT-3'
Protein context (NP_892006.3, residues 3992-4012): GQCADHLQAK[Leu4002Pro]KQNVHAHLQG